The following is an entry in ClinVar:

ClinVar aggregate classification (germline): Likely benign. Review status: criteria provided, single submitter (1 of 4 stars). 2 submissions from 2 submitters: Likely benign (1). 1 of the submissions does not count toward it. Last evaluated 2024-03-17.

Conditions:
Neuromuscular disease caused by qualitative or quantitative defects of dysferlin. Also called: Qualitative or quantitative defects of dysferlin; Dysferlinopathy. Identifiers: Orphanet 207073, MedGen C2931687, MONDO:0016145.
DYSF-related disorder. Also called: DYSF-related condition; DYSF-related disorders.

Allele frequency attached by ClinVar (database versions not stated): TOPMed below 0.00001; ExAC 0.00001; gnomAD 0.00001; gnomAD exomes 0.00001.
gnomAD v4.1: 14 of 1,614,076 alleles (0.00087%); highest among the groups gnomAD compares: South Asian, 0.014%; no homozygotes.

Submissions (2):

Labcorp Genetics (formerly Invitae), Labcorp
Classification: Likely benign for Neuromuscular disease caused by qualitative or quantitative defects of dysferlin. Last evaluated: 2024-03-17. Review status: criteria provided, single submitter. Criteria: Invitae Variant Classification Sherloc (09022015). Collection method: clinical testing. Allele origin: germline.

PreventionGenetics, part of Exact Sciences
Classification: Likely benign for DYSF-related condition. Last evaluated: 2020-11-03. Review status: no assertion criteria provided. Collection method: clinical testing. Allele origin: germline. Not counted in ClinVar's aggregate classification.
Comment: This variant is classified as likely benign based on ACMG/AMP sequence variant interpretation guidelines (Richards et al. 2015 PMID: 25741868, with internal and published modifications).

NM_001130987.2(DYSF):c.735G>A (p.Leu245=)

Gene: DYSF (dysferlin; plus strand). Cytogenetic location: 2p13.2.
Variant type: single nucleotide variant.
Coding change: c.735G>A on transcript NM_001130987.2 (MANE Select); coding-DNA position 735, G replaced by A.
Protein change: p.Leu245=; no amino-acid change (leucine 245 retained).
Molecular consequence: synonymous variant.
Genome position (GRCh38, 1-based): chr2:71,513,897, G>A. VCF-style: chr2-71513897-G-A. GRCh37 (hg19) VCF-style: chr2-71741027-G-A.
Other names: c.639G>A (NM_003494.3); c.642G>A, p.Leu214= (NM_001130455.2, NM_001130983.2, NM_001130984.2 and 1 more transcripts); c.639G>A, p.Leu213= (NM_001130976.2, NM_001130977.2, NM_001130978.2 and 1 more transcripts); c.732G>A, p.Leu244= (NM_001130979.2, NM_001130980.2, NM_001130981.2); c.735G>A, p.Leu245= (NM_001130982.2, NM_001130985.2).
Identifiers: ClinVar variation 1598204 (VCV001598204.10), dbSNP rs748463150, ClinGen allele CA1705431.